The following is an entry in ClinVar:

NM_004329.3(BMPR1A):c.68-14del

Gene: BMPR1A (bone morphogenetic protein receptor type 1A; plus strand). Cytogenetic location: 10q23.2.
Variant type: Deletion.
Coding change: c.68-14del on transcript NM_004329.3 (MANE Select); 14 bases into the intron before coding-DNA position 68, one base deleted (A; older notation c.68-14delA).
Molecular consequence: intron variant.
Genome position (GRCh38, 1-based): chr10:86,890,048, A deleted. VCF-style (leftmost placement, unchanged base first): chr10-86890047-CA-C. GRCh37 (hg19) VCF-style: chr10-88649804-CA-C.
Other names: c.68-14del (NM_001406562.1, NM_001406568.1, NM_001406567.1 and 23 more transcripts); c.-17-14del (NM_001406584.1, NM_001406587.1, NM_001406585.1); c.-12-19del (NM_001406588.1, NM_001406586.1).
Identifiers: ClinVar variation 2882826 (VCV002882826.5), dbSNP rs2539429584, ClinGen allele CA2609985636.

ClinVar aggregate classification (germline): Likely benign. Review status: criteria provided, multiple submitters, no conflicts (2 of 4 stars). 3 submissions from 3 submitters: Likely benign (3). Last evaluated 2024-07-31.

Conditions:
Juvenile polyposis syndrome (JPS). Identifiers: Orphanet 2929, MedGen C0345893, MONDO:0017380, OMIM 174900.
Hereditary cancer-predisposing syndrome. Also called: Hereditary Cancer Syndrome; Hereditary neoplastic syndrome; Neoplastic Syndromes, Hereditary; Tumor predisposition. Identifiers: Orphanet 140162, MedGen C0027672, MeSH D009386, MONDO:0015356.

Allele frequency attached by ClinVar (database versions not stated): gnomAD exomes below 0.00001.

Submissions (3):

Myriad Genetics, Inc.
Classification: Likely benign for Juvenile polyposis syndrome. Last evaluated: 2024-07-31. Review status: criteria provided, single submitter. Criteria: Myriad Autosomal Dominant, Autosomal Recessive and X-Linked Classification Criteria (2023). Collection method: clinical testing. Allele origin: unknown.
Comment: This variant is considered likely benign. This variant is intronic and is not expected to impact mRNA splicing.

Color Diagnostics, LLC DBA Color Health
Classification: Likely benign for Hereditary cancer-predisposing syndrome. Last evaluated: 2024-03-26. Review status: criteria provided, single submitter. Criteria: ACMG Guidelines, 2015. Collection method: clinical testing. Allele origin: germline.

Labcorp Genetics (formerly Invitae), Labcorp
Classification: Likely benign for Juvenile polyposis syndrome. Last evaluated: 2023-06-18. Review status: criteria provided, single submitter. Criteria: Invitae Variant Classification Sherloc (09022015). Collection method: clinical testing. Allele origin: germline.